The following is an entry in ClinVar:

ClinVar aggregate classification (germline): Uncertain significance (1 of 4 stars; one submission).

gnomAD v4.1: 30 of 1,614,054 alleles (0.0019%); highest among the groups gnomAD compares: African/African-American, 0.039%; no homozygotes.

Submission:

Labcorp Genetics (formerly Invitae), Labcorp
Classification: Uncertain significance. Last evaluated: 2025-09-16. Review status: criteria provided, single submitter. Criteria: Invitae Variant Classification Sherloc (09022015). Collection method: clinical testing. Allele origin: germline.
Comment: This sequence change replaces serine, which is neutral and polar, with threonine, which is neutral and polar, at codon 216 of the PLD3 protein (p.Ser216Thr). This variant is present in population databases (rs373405543, gnomAD 0.05%). This variant has not been reported in the literature in individuals affected with PLD3-related conditions. An algorithm developed to predict the effect of missense changes on protein structure and function (PolyPhen-2) suggests that this variant is likely to be disruptive. In summary, the available evidence is currently insufficient to determine the role of this variant in disease. Therefore, it has been classified as a Variant of Uncertain Significance.

NM_012268.4(PLD3):c.647G>C (p.Ser216Thr)

Gene: PLD3 (phospholipase D family member 3; plus strand). Cytogenetic location: 19q13.2.
Variant type: single nucleotide variant.
Coding change: c.647G>C on transcript NM_012268.4 (MANE Select); coding-DNA position 647, G replaced by C.
Protein change: p.Ser216Thr; replaces serine 216 with threonine.
Molecular consequence: missense variant.
Genome position (GRCh38, 1-based): chr19:40,370,206, G>C. VCF-style: chr19-40370206-G-C. GRCh37 (hg19) VCF-style: chr19-40876113-G-C.
Other names: c.647G>C, p.Ser216Thr (NM_001031696.4, NM_001291311.2); short protein forms S216T.
Identifiers: ClinVar variation 4754205 (VCV004754205.1).